The following is an entry in ClinVar:

NM_001379500.1(COL18A1):c.1110C>A (p.Cys370Ter)

Gene: COL18A1 (collagen type XVIII alpha 1 chain; plus strand). Cytogenetic location: 21q22.3.
Variant type: single nucleotide variant.
Coding change: c.1110C>A on transcript NM_001379500.1 (MANE Select); coding-DNA position 1110, C replaced by A.
Protein change: p.Cys370Ter; replaces cysteine 370 with a stop codon.
Molecular consequence: nonsense.
Genome position (GRCh38, 1-based): chr21:45,477,854, C>A. VCF-style: chr21-45477854-C-A. GRCh37 (hg19) VCF-style: chr21-46897768-C-A.
Other names: c.1650C>A, p.Cys550Ter (NM_030582.4); c.2355C>A, p.Cys785Ter (NM_130444.3); short protein forms C370*, C550*, C785*.
Identifiers: ClinVar variation 2000260 (VCV002000260.4), dbSNP rs774999737, ClinGen allele CA410515450.

ClinVar aggregate classification (germline): Pathogenic (1 of 4 stars; one submission).

Submission:

Labcorp Genetics (formerly Invitae), Labcorp
Classification: Pathogenic. Last evaluated: 2022-05-29. Review status: criteria provided, single submitter. Criteria: Invitae Variant Classification Sherloc (09022015). Collection method: clinical testing. Allele origin: germline.
Comment: For these reasons, this variant has been classified as Pathogenic. This sequence change creates a premature translational stop signal (p.Cys370*) in the COL18A1 gene. It is expected to result in an absent or disrupted protein product. Loss-of-function variants in COL18A1 are known to be pathogenic (PMID: 12415512, 25456301). This variant is not present in population databases (gnomAD no frequency). This variant has not been reported in the literature in individuals affected with COL18A1-related conditions.

Literature cited by the submitters: PubMed 12415512; PubMed 25456301.